The following is an entry in ClinVar:

NM_001034853.2(RPGR):c.2587del (p.Glu863fs)

Gene: RPGR (retinitis pigmentosa GTPase regulator; minus strand). Cytogenetic location: Xp11.4.
Variant type: Deletion.
Coding change: c.2587del on transcript NM_001034853.2 (MANE Select); coding-DNA position 2587, one base deleted (G; older notation c.2587delG).
Protein change: p.Glu863fs; shifts the reading frame from glutamic acid 863.
Molecular consequence: frameshift variant. On other transcripts: intron variant (8).
Genome position (GRCh38, 1-based): chrX:38,286,412, C deleted on the plus strand (G on the coding strand, the reverse complement: RPGR is on the minus strand); the first of 4 consecutive C bases (chrX:38,286,412-38,286,415); deleting any one gives the same sequence. VCF-style (leftmost placement, unchanged base first): chrX-38286411-TC-T. GRCh37 (hg19) VCF-style: chrX-38145664-TC-T.
Other names: c.1569+4547del (NM_001367249.1, NM_001367250.1); c.1902+682del (NM_001367245.1); c.1386+4547del (NM_001367251.1); c.1719+682del (NM_001367246.1); c.1572+4547del (NM_001367247.1); c.1905+682del (NM_000328.3); c.1602+4547del (NM_001367248.1); short protein forms E863fs.
Identifiers: ClinVar variation 866843 (VCV000866843.3), dbSNP rs2067170858, ClinGen allele CA916083893.

ClinVar aggregate classification (germline): Pathogenic/Likely pathogenic. Review status: criteria provided, multiple submitters, no conflicts (2 of 4 stars). 3 submissions from 2 submitters: Pathogenic (1); Likely pathogenic (1). 1 of the submissions does not count toward it. Last evaluated 2023-01-01.

Conditions:
Retinitis pigmentosa 3. Also called: CHOROIDORETINAL DEGENERATION WITH RETINAL REFLEX IN HETEROZYGOUS WOMEN. Identifiers: Orphanet 791, MedGen C1845667, MONDO:0010227, OMIM 300029.
Retinal dystrophy. Also called: Inherited retinal dystrophy. Identifiers: Orphanet 71862, MedGen C0854723, MeSH D058499, MONDO:0019118, HP:0000556.

Submissions (3):

Institute of Human Genetics, Univ. Regensburg, Univ. Regensburg
Classification: Pathogenic for Retinal dystrophy. Last evaluated: 2023-01-01. Review status: criteria provided, single submitter. Criteria: ACMG Guidelines, 2015. Collection method: clinical testing. Allele origin: germline. Affected: yes.

Blueprint Genetics
Classification: Likely pathogenic for Retinal dystrophy. Last evaluated: 2018-11-02. Review status: criteria provided, single submitter. Criteria: Blueprint Genetics Variant Classification Scheme. Collection method: clinical testing. Allele origin: germline. Affected: yes.

Blueprint Genetics
Classification: Likely pathogenic for Retinitis pigmentosa 3. Review status: no assertion criteria provided. Collection method: clinical testing. Allele origin: germline. Affected: yes. Not counted in ClinVar's aggregate classification.

Literature cited by the submitters: PubMed 34985506 (cited by Institute of Human Genetics, Univ. Regensburg, Univ. Regensburg).